The following is an entry in ClinVar:

ClinVar aggregate classification (germline): Uncertain significance. Review status: criteria provided, multiple submitters, no conflicts (2 of 4 stars). 2 submissions from 2 submitters: Uncertain significance (2). Last evaluated 2023-11-01.

Allele frequency attached by ClinVar (database versions not stated): gnomAD exomes below 0.00001 and 0.00001.
gnomAD v4.1: 3 of 1,210,927 alleles (0.00025%); highest among the groups gnomAD compares: Admixed American, 0.0065%; no homozygotes.

Submissions (2):

CeGaT Center for Human Genetics Tuebingen
Classification: Uncertain significance. Last evaluated: 2023-11-01. Review status: criteria provided, single submitter. Criteria: CeGaT Center For Human Genetics Tuebingen Variant Classification Criteria Version 2. Collection method: clinical testing. Allele origin: germline. Affected: yes. Observed: 1 variant allele.
Comment: ABCB7: PM2, PP2

GeneDx
Classification: Uncertain significance. Last evaluated: 2023-04-10. Review status: criteria provided, single submitter. Criteria: GeneDx Variant Classification Process June 2021. Collection method: clinical testing. Allele origin: germline. Affected: yes.
Comment: In silico analysis supports that this missense variant has a deleterious effect on protein structure/function; Has not been previously published as pathogenic or benign to our knowledge

NM_001271696.3(ABCB7):c.1486C>T (p.Pro496Ser)

Gene: ABCB7 (ATP binding cassette subfamily B member 7; minus strand). Cytogenetic location: Xq13.3.
Variant type: single nucleotide variant.
Coding change: c.1486C>T on transcript NM_001271696.3 (MANE Select); coding-DNA position 1486, C replaced by T.
Protein change: p.Pro496Ser; replaces proline 496 with serine.
Molecular consequence: missense variant.
Genome position (GRCh38, 1-based): chrX:75,069,334, G>A on the plus strand (C>T on the coding strand, the complement: ABCB7 is on the minus strand). VCF-style: chrX-75069334-G-A. GRCh37 (hg19) VCF-style: chrX-74289169-G-A.
Other names: p.P497S:CCT>TCT; c.1366C>T, p.Pro456Ser (NM_001271697.3); c.1408C>T, p.Pro470Ser (NM_001271698.3); c.1369C>T, p.Pro457Ser (NM_001271699.3); c.1489C>T, p.Pro497Ser (NM_004299.6); short protein forms P497S, P496S, P457S, P456S, P470S.
Identifiers: ClinVar variation 213977 (VCV000213977.26), dbSNP rs863223864, ClinGen allele CA322787.